The following is an entry in ClinVar:

NM_000035.4(ALDOB):c.302del (p.Lys101fs)

Gene: ALDOB (aldolase, fructose-bisphosphate B; minus strand). Cytogenetic location: 9q31.1.
Variant type: Deletion.
Coding change: c.302del on transcript NM_000035.4 (MANE Select); coding-DNA position 302, one base deleted (A; older notation c.302delA).
Protein change: p.Lys101fs; shifts the reading frame from lysine 101.
Molecular consequence: frameshift variant.
Genome position (GRCh38, 1-based): chr9:101,429,777, T deleted on the plus strand (A on the coding strand, the reverse complement: ALDOB is on the minus strand); the first of 4 consecutive T bases (chr9:101,429,777-101,429,780); deleting any one gives the same sequence. VCF-style (leftmost placement, unchanged base first): chr9-101429776-CT-C. GRCh37 (hg19) VCF-style: chr9-104192058-CT-C.
Other names: c.302del, p.Lys101fs (LRG_1244t1); c.302delA (NM_000035.3); short protein forms K101fs.
Identifiers: ClinVar variation 595944 (VCV000595944.17), dbSNP rs974582114, ClinGen allele CA196958041.

ClinVar aggregate classification (germline): Pathogenic/Likely pathogenic. Review status: criteria provided, multiple submitters, no conflicts (2 of 4 stars). 5 submissions from 5 submitters: Pathogenic (3); Likely pathogenic (2). Last evaluated 2026-05-21.

Conditions:
Hereditary fructosuria. Also called: Fructose intolerance; ALDOB DEFICIENCY; ALDOLASE B DEFICIENCY; FRUCTOSE-1,6-BISPHOSPHATE ALDOLASE B DEFICIENCY; FRUCTOSE-1-PHOSPHATE ALDOLASE DEFICIENCY; FRUCTOSEMIA. Identifiers: Orphanet 469, MedGen C0016751, MONDO:0009249, OMIM 229600, HP:0005973. Disease mechanism: loss of function.
Inborn errors of metabolism. Also called: Inborn error of metabolism. Identifiers: Orphanet 68367, MedGen C0025521, MONDO:0019052.

Submissions (5):

North West Genomic Laboratory Hub, Manchester University NHS Foundation Trust
Classification: Pathogenic for Inborn error of metabolism. Last evaluated: 2026-05-21. Review status: criteria provided, single submitter. Criteria: ACGS Best Practice Guidelines for Variant Classification in Rare Disease 2024. Collection method: clinical testing. Allele origin: germline. Affected: yes.
Comment: PM3_Supp PM2_Mod PVS1_VStr

Natera, Inc.
Classification: Likely pathogenic for Fructose intolerance. Last evaluated: 2025-04-22. Review status: criteria provided, single submitter. Criteria: Natera Variant Classification Schema (03/2026). Collection method: clinical testing. Allele origin: germline.
Comment: The c.302delA variant in ALDOB is a frameshift variant predicted to shift the reading frame beginning at codon 101 and leads to a stop codon 9 codons downstream. This variant is expected to result in nonsense mediated decay, truncation, or a dysfunctional protein product. This variant is rare in the general population with a frequency below the threshold expected for the associated phenotype(s). Given the available evidence, this variant is classified as Likely Pathogenic.

Labcorp Genetics (formerly Invitae), Labcorp
Classification: Pathogenic for Hereditary fructosuria. Last evaluated: 2024-03-06. Review status: criteria provided, single submitter. Criteria: Invitae Variant Classification Sherloc (09022015). Collection method: clinical testing. Allele origin: germline.
Comment: This sequence change creates a premature translational stop signal (p.Lys101Argfs*9) in the ALDOB gene. It is expected to result in an absent or disrupted protein product. Loss-of-function variants in ALDOB are known to be pathogenic (PMID: 18541450). This variant is not present in population databases (gnomAD no frequency). This variant has not been reported in the literature in individuals affected with ALDOB-related conditions. ClinVar contains an entry for this variant (Variation ID: 595944). For these reasons, this variant has been classified as Pathogenic.

Baylor Genetics
Classification: Likely pathogenic for Hereditary fructosuria. Last evaluated: 2023-10-07. Review status: criteria provided, single submitter. Criteria: ACMG Guidelines, 2015. Collection method: clinical testing. Allele origin: unknown.

Eurofins Ntd Llc (ga)
Classification: Pathogenic. Last evaluated: 2018-01-30. Review status: criteria provided, single submitter. Criteria: EGL Classification Definitions 2015. Collection method: clinical testing. Allele origin: germline.

Literature cited by the submitters: PubMed 18541450 (cited by Labcorp Genetics (formerly Invitae), Labcorp).